The following is an entry in ClinVar:

NM_015559.3(SETBP1):c.73G>A (p.Ala25Thr)

Gene: SETBP1 (SET binding protein 1; plus strand). Cytogenetic location: 18q12.3.
Variant type: single nucleotide variant.
Coding change: c.73G>A on transcript NM_015559.3 (MANE Select); coding-DNA position 73, G replaced by A.
Protein change: p.Ala25Thr; replaces alanine 25 with threonine.
Molecular consequence: missense variant.
Genome position (GRCh38, 1-based): chr18:44,701,419, G>A. VCF-style: chr18-44701419-G-A. GRCh37 (hg19) VCF-style: chr18-42281384-G-A.
Other names: c.73G>A, p.Ala25Thr (NM_001130110.2, NM_001379141.1, NM_001379142.1 and 1 more transcripts); short protein forms A25T.
Identifiers: ClinVar variation 4720733 (VCV004720733.1).

ClinVar aggregate classification (germline): Uncertain significance (1 of 4 stars; one submission).

Submission:

Labcorp Genetics (formerly Invitae), Labcorp
Classification: Uncertain significance. Last evaluated: 2025-06-04. Review status: criteria provided, single submitter. Criteria: Invitae Variant Classification Sherloc (09022015). Collection method: clinical testing. Allele origin: germline.
Comment: This sequence change replaces alanine, which is neutral and non-polar, with threonine, which is neutral and polar, at codon 25 of the SETBP1 protein (p.Ala25Thr). This variant is not present in population databases (gnomAD no frequency). This variant has not been reported in the literature in individuals affected with SETBP1-related conditions. An algorithm developed to predict the effect of missense changes on protein structure and function (PolyPhen-2) suggests that this variant is likely to be tolerated. In summary, the available evidence is currently insufficient to determine the role of this variant in disease. Therefore, it has been classified as a Variant of Uncertain Significance.